The following is an entry in ClinVar:

ClinVar aggregate classification (germline): Benign. Review status: criteria provided, multiple submitters, no conflicts (2 of 4 stars). 3 submissions from 3 submitters: Benign (3). Last evaluated 2026-01-16.

Conditions:
Fleck corneal dystrophy (CFD). Also called: CORNEAL DYSTROPHY, FRANCOIS-NEETENS SPECKLED OR FLECKED. Identifiers: Orphanet 98970, MedGen C1562113, MONDO:0007376, OMIM 121850.

Allele frequency attached by ClinVar (database versions not stated): ESP Exome Variant Server 0.00031; gnomAD exomes 0.00262 and 0.01306; gnomAD 0.00299 and 0.00302; 1000 Genomes Project 0.00539; 1000 Genomes Project 30x 0.00625; TOPMed 0.00802; ExAC 0.01013.
gnomAD v4.1: 4,213 of 1,614,098 alleles (0.26%); highest among the groups gnomAD compares: Admixed American, 6.8%; 204 homozygotes.

Submissions (3):

Labcorp Genetics (formerly Invitae), Labcorp
Classification: Benign. Last evaluated: 2026-01-16. Review status: criteria provided, single submitter. Criteria: Invitae Variant Classification Sherloc (09022015). Collection method: clinical testing. Allele origin: germline.

Illumina Laboratory Services, Illumina
Classification: Benign for Fleck corneal dystrophy. Last evaluated: 2018-01-12. Review status: criteria provided, single submitter. Criteria: ICSL Variant Classification Criteria 13 December 2019. Collection method: clinical testing. Allele origin: germline.
Comment: This variant was observed in the ICSL laboratory as part of a predisposition screen in an ostensibly healthy population. It had not been previously curated by ICSL or reported in the Human Gene Mutation Database (HGMD: prior to June 1st, 2018), and was therefore a candidate for classification through an automated scoring system. Utilizing variant allele frequency, disease prevalence and penetrance estimates, and inheritance mode, an automated score was calculated to assess if this variant is too frequent to cause the disease. Based on the score and internal cut-off values, a variant classified as benign is not then subjected to further curation. The score for this variant resulted in a classification of benign for this disease.

Breakthrough Genomics
Classification: Benign. Review status: criteria provided, single submitter. Criteria: ACMG Guidelines, 2015. Collection method: not provided. Allele origin: germline. Inheritance: Autosomal dominant inheritance. Affected: yes.

NM_015040.4(PIKFYVE):c.173-11C>T

Gene: PIKFYVE (phosphoinositide kinase, FYVE-type zinc finger containing; plus strand). Cytogenetic location: 2q34.
Variant type: single nucleotide variant.
Coding change: c.173-11C>T on transcript NM_015040.4 (MANE Select); 11 bases into the intron before coding-DNA position 173, C replaced by T.
Molecular consequence: intron variant.
Genome position (GRCh38, 1-based): chr2:208,273,573, C>T. VCF-style: chr2-208273573-C-T. GRCh37 (hg19) VCF-style: chr2-209138297-C-T.
Other names: c.173-11C>T (NM_001178000.2, NM_152671.4).
Identifiers: ClinVar variation 333885 (VCV000333885.10), dbSNP rs4675744, ClinGen allele CA2079192.